The following is an entry in ClinVar:

NM_212552.3(BOLA3):c.164T>C (p.Ile55Thr)

Gene: BOLA3 (bolA family member 3; minus strand). Cytogenetic location: 2p13.1.
Variant type: single nucleotide variant.
Coding change: c.164T>C on transcript NM_212552.3 (MANE Select); coding-DNA position 164, T replaced by C.
Protein change: p.Ile55Thr; replaces isoleucine 55 with threonine.
Molecular consequence: missense variant.
Genome position (GRCh38, 1-based): chr2:74,145,194, A>G on the plus strand (T>C on the coding strand, the complement: BOLA3 is on the minus strand). VCF-style: chr2-74145194-A-G. GRCh37 (hg19) VCF-style: chr2-74372321-A-G.
Other names: c.164T>C, p.Ile55Thr (NM_001035505.2); c.164T>C (NM_212552.2); short protein forms I55T.
Identifiers: ClinVar variation 1940977 (VCV001940977.5), dbSNP rs760582282, ClinGen allele CA1719490.

ClinVar aggregate classification (germline): Uncertain significance. Review status: criteria provided, multiple submitters, no conflicts (2 of 4 stars). 3 submissions from 3 submitters: Uncertain significance (3). Last evaluated 2025-10-22.

Conditions:
Inborn genetic diseases. Identifiers: MedGen C0950123, MeSH D030342.

Allele frequency attached by ClinVar (database versions not stated): gnomAD 0.00001; gnomAD exomes 0.00001; ExAC 0.00003; TOPMed 0.00003.
gnomAD v4.1: 18 of 1,569,352 alleles (0.0011%); highest among the groups gnomAD compares: Admixed American, 0.03%; no homozygotes.

Submissions (3):

Labcorp Genetics (formerly Invitae), Labcorp
Classification: Uncertain significance. Last evaluated: 2025-10-22. Review status: criteria provided, single submitter. Criteria: Invitae Variant Classification Sherloc (09022015). Collection method: clinical testing. Allele origin: germline.
Comment: This sequence change replaces isoleucine, which is neutral and non-polar, with threonine, which is neutral and polar, at codon 55 of the BOLA3 protein (p.Ile55Thr). This variant is present in population databases (rs760582282, gnomAD 0.05%). This variant has not been reported in the literature in individuals affected with BOLA3-related conditions. ClinVar contains an entry for this variant (Variation ID: 1940977). An algorithm developed to predict the effect of missense changes on protein structure and function (PolyPhen-2) suggests that this variant is likely to be disruptive. In summary, the available evidence is currently insufficient to determine the role of this variant in disease. Therefore, it has been classified as a Variant of Uncertain Significance.

Ambry Genetics
Classification: Uncertain significance for Inborn genetic diseases. Last evaluated: 2025-04-08. Review status: criteria provided, single submitter. Criteria: Ambry Variant Classification Scheme 2023. Collection method: clinical testing. Allele origin: germline.

GeneDx
Classification: Uncertain significance. Last evaluated: 2023-05-16. Review status: criteria provided, single submitter. Criteria: GeneDx Variant Classification Process June 2021. Collection method: clinical testing. Allele origin: germline. Affected: yes.
Comment: In silico analysis supports that this missense variant has a deleterious effect on protein structure/function; Has not been previously published as pathogenic or benign to our knowledge